The following is an entry in ClinVar:

ClinVar aggregate classification (germline): Uncertain significance. Review status: criteria provided, multiple submitters, no conflicts (2 of 4 stars). 2 submissions from 2 submitters: Uncertain significance (2). Last evaluated 2024-12-09.

Allele frequency attached by ClinVar (database versions not stated): TOPMed below 0.00001; ExAC 0.00001; gnomAD 0.00001; gnomAD exomes 0.00001 and 0.00002.
gnomAD v4.1: 13 of 1,613,796 alleles (0.00081%); highest among the groups gnomAD compares: Admixed American, 0.0083%; no homozygotes.

Submissions (2):

Labcorp Genetics (formerly Invitae), Labcorp
Classification: Uncertain significance. Last evaluated: 2024-12-09. Review status: criteria provided, single submitter. Criteria: Invitae Variant Classification Sherloc (09022015). Collection method: clinical testing. Allele origin: germline.
Comment: This sequence change replaces arginine, which is basic and polar, with glutamine, which is neutral and polar, at codon 194 of the EFEMP1 protein (p.Arg194Gln). This variant is present in population databases (rs752116761, gnomAD 0.01%). This variant has not been reported in the literature in individuals affected with EFEMP1-related conditions. ClinVar contains an entry for this variant (Variation ID: 1034632). Invitae Evidence Modeling of protein sequence and biophysical properties (such as structural, functional, and spatial information, amino acid conservation, physicochemical variation, residue mobility, and thermodynamic stability) indicates that this missense variant is not expected to disrupt EFEMP1 protein function with a negative predictive value of 80%. In summary, the available evidence is currently insufficient to determine the role of this variant in disease. Therefore, it has been classified as a Variant of Uncertain Significance.

Breakthrough Genomics
Classification: Uncertain significance. Review status: criteria provided, single submitter. Criteria: ACMG Guidelines, 2015. Collection method: not provided. Allele origin: germline. Inheritance: Autosomal dominant inheritance. Affected: yes.

NM_001039348.3(EFEMP1):c.581G>A (p.Arg194Gln)

Gene: EFEMP1 (EGF-like fibulin extracellular matrix protein 1; minus strand). Cytogenetic location: 2p16.1.
Variant type: single nucleotide variant.
Coding change: c.581G>A on transcript NM_001039348.3 (MANE Select); coding-DNA position 581, G replaced by A.
Protein change: p.Arg194Gln; replaces arginine 194 with glutamine.
Molecular consequence: missense variant.
Genome position (GRCh38, 1-based): chr2:55,881,671, C>T on the plus strand (G>A on the coding strand, the complement: EFEMP1 is on the minus strand). VCF-style: chr2-55881671-C-T. GRCh37 (hg19) VCF-style: chr2-56108806-C-T.
Other names: c.581G>A, p.Arg194Gln (NM_001039349.3); short protein forms R194Q.
Identifiers: ClinVar variation 1034632 (VCV001034632.7), dbSNP rs752116761, ClinGen allele CA1668895.
Genomic context (GRCh38, chr2:55,881,671, plus strand): 5'-CCTACGCACTGCTCCCCTCGCTTCTGATATCCAGGAGGGCACTGACATGCAAAGGATCCC[C>T]GTAAATTGATGCACACTTGGTCTGCTCTACAGTTGTGCGTCCCTGCAGTGCACTCGTCTA-3'
Protein context (NP_001034437.1, residues 184-204): CRADQVCINL[Arg194Gln]GSFACQCPPG